The following is an entry in ClinVar:

ClinVar aggregate classification (germline): Likely pathogenic (1 of 4 stars; one submission).

Conditions:
Ataxia-telangiectasia syndrome (AT). Also called: Ataxia-telangiectasia, complementation group E; Ataxia telangiectasia (A-T); LOUIS-BAR SYNDROME; ATAXIA-TELANGIECTASIA, FRESNO VARIANT; AT, COMPLEMENTATION GROUP C; Ataxia-telangiectasia. Identifiers: Orphanet 100, MedGen C0004135, MONDO:0008840, OMIM 208900.

Submission:

Labcorp Genetics (formerly Invitae), Labcorp
Classification: Likely pathogenic for Ataxia-telangiectasia syndrome. Last evaluated: 2019-08-14. Review status: criteria provided, single submitter. Criteria: Invitae Variant Classification Sherloc (09022015). Collection method: clinical testing. Allele origin: germline.
Comment: This variant results in the deletion of exon(s) 26-28 and part of exon 29 (c.3746+452_4363del) of the ATM gene. It is expected to disrupt RNA splicing and likely results in an absent or disrupted protein product. This variant has not been reported in the literature in individuals with ATM-related conditions. Loss-of-function variants in ATM are known to be pathogenic (PMID: 23807571, 25614872). In summary, the currently available evidence indicates that the variant is pathogenic, but additional data are needed to prove that conclusively. Therefore, this variant has been classified as Likely Pathogenic.

NM_000051.4(ATM):c.3746+452_4363del

Gene: ATM (ATM serine/threonine kinase; plus strand). Cytogenetic location: 11q22.3.
Variant type: Deletion.
Coding change: c.3746+452_4363del on transcript NM_000051.4 (MANE Select); 452 bases into the intron after coding-DNA position 3746 through coding-DNA position 4363, 6,398 bases deleted.
Molecular consequence: splice acceptor variant, splice donor variant.
Genome position (GRCh38, 1-based): chr11:108,283,331-108,289,728, 6,398 bases deleted. GRCh37 (hg19): chr11:108,154,058-108,160,455.
Other names: c.3746+452_4363del (NM_001351834.2).
Identifiers: ClinVar variation 946575 (VCV000946575.1), ClinGen allele CA1139662230.